The following continues an entry in ClinVar:

NM_000051.4(ATM):c.5290del (p.Leu1764fs)

Gene: ATM. ClinVar aggregate classification (germline): Pathogenic. Pathogenic (1).

Submissions 11 to 20 of 20:

Athena Diagnostics
Classification: Pathogenic. Last evaluated: 2022-09-08. Review status: criteria provided, single submitter. Criteria: Athena Diagnostics Criteria. Collection method: clinical testing. Allele origin: unknown. Not counted in ClinVar's aggregate classification.

Quest Diagnostics Nichols Institute San Juan Capistrano
Classification: Pathogenic. Last evaluated: 2022-09-08. Review status: criteria provided, single submitter. Criteria: Quest Diagnostics criteria. Collection method: clinical testing. Allele origin: unknown. Not counted in ClinVar's aggregate classification.
Comment: This frameshift variant alters the translational reading frame of the ATM mRNA and causes the premature termination of ATM protein synthesis. The frequency of this variant in the general population, 0.000018 (2/113458 chromosomes), is consistent with pathogenicity. In the published literature, the variant has been reported in individuals with ataxia-telangiectasia (PMIDs: 10330348 (1999), 10425038 (1999), 12552559 (2003), 15928302 (2005), 22649200 (2012), and 26896183 (2016)) and breast cancer (PMIDs: 16832357 (2006), 26681312 (2015), and 28779002 (2017)). Based on the available information, this variant is classified as pathogenic.

PreventionGenetics, part of Exact Sciences
Classification: Pathogenic for ATM-related condition. Last evaluated: 2022-08-18. Review status: criteria provided, single submitter. Criteria: ACMG Guidelines, 2015. Collection method: clinical testing. Allele origin: germline. Not counted in ClinVar's aggregate classification.
Comment: The ATM c.5290delC variant is predicted to result in a frameshift and premature protein termination (p.Leu1764Tyrfs*12). This variant has been reported in the heterozygous state in several individuals with breast cancer (See for example, Susswein et al. 2015. PubMed ID: 26681312, Supp. Table S1; Decker et al. 2017. PubMed ID: 28779002, Supp. Table S5) and at least one individual with lung adenocarcinoma (Lu et al. 2015. PubMed ID: 26689913, Supp. Table S2). This variant has also been reported in the biallelic state in individuals with ataxia telangiectasia (Sun et al. 2002. PubMed ID: 12072877). This variant is reported in 0.0018% of alleles in individuals of European (Non-Finnish) descent in gnomAD. Frameshift variants in ATM are expected to be pathogenic. This variant is classified as likely pathogenic and pathogenic in ClinVar. This variant is interpreted as pathogenic.

CHEO Genetics Diagnostic Laboratory, Children's Hospital of Eastern Ontario
Classification: Pathogenic for Breast and/or ovarian cancer. Last evaluated: 2022-06-03. Review status: criteria provided, single submitter. Criteria: ACMG Guidelines, 2015. Collection method: clinical testing. Allele origin: germline. Not counted in ClinVar's aggregate classification.

Sema4
Classification: Pathogenic for Hereditary cancer-predisposing syndrome. Last evaluated: 2021-11-15. Review status: criteria provided, single submitter. Criteria: Sema4 Curation Guidelines. Collection method: curation. Allele origin: germline. Not counted in ClinVar's aggregate classification.
Comment: The ATM c.5290delC (p.L1764YfsX12) variant has been reported as compound heterozygous in several individuals with ataxia telangiectasia (PMID: 10330348, 15928302, 22649200, 25614872). It has also been reported in heterozygosity in multiple individuals with breast, ovarian, or lung cancer (PMID: 33471991, 26681312, 16832357, 26689913, 27153395, among others). This variant causes a frameshift at amino acid 1764 that results in premature termination 12 amino acids downstream. At this location, nonsense-mediated decay is predicted to occur, resulting in a loss of gene function. Loss of function variants in ATM are known to be pathogenic (PMID: 31050087). This variant was observed in 2/113458 chromosomes in the European (non-Finnish) population according to the Genome Aggregation Database (PMID: 32461654), and has been reported in ClinVar (Variation ID: 127405). Based on the current evidence available, this variant is interpreted as pathogenic.

Department of Pathology and Laboratory Medicine, Sinai Health System
Classification: Pathogenic for Familial cancer of breast; Ataxia-telangiectasia syndrome. Last evaluated: 2021-03-01. Review status: criteria provided, single submitter. Criteria: ACMG Guidelines, 2015. Collection method: clinical testing. Allele origin: germline. Not counted in ClinVar's aggregate classification.

Women's Health and Genetics/Laboratory Corporation of America, LabCorp
Classification: Pathogenic for Ataxia-telangiectasia syndrome. Last evaluated: 2018-08-03. Review status: criteria provided, single submitter. Criteria: LabCorp Variant Classification Summary - May 2015. Collection method: clinical testing. Allele origin: germline. Not counted in ClinVar's aggregate classification.
Comment: Variant summary: ATM c.5290delC (p.Leu1764TyrfsX12) results in a premature termination codon, predicted to cause a truncation of the encoded protein or absence of the protein due to nonsense mediated decay, which are commonly known mechanisms for disease. Truncations downstream of this position have been classified as pathogenic by our laboratory (eg. c.5712dupA/p.Ser1905fsX25, c.5908C>T/p.Gln1970X). The variant allele was found at a frequency of 8.3e-06 in 121178 control chromosomes. c.5290delC has been reported in the literature in individuals affected with Ataxia-Telangiectasia (Castellvi-Bev_1999, Sun_2002, Thompson_2005). These data indicate that the variant is likely to be associated with disease. At least one publication reports experimental evidence evaluating an impact on protein function. The most pronounced variant effect results in <10% of normal activity. Three clinical diagnostic laboratories have submitted clinical-significance assessments for this variant to ClinVar after 2014 without evidence for independent evaluation. All laboratories classified the variant as pathogenic. Based on the evidence outlined above, the variant was classified as pathogenic.

University Health Network, Familial Cancer Clinic, Princess Margaret Cancer Centre
Classification: Pathogenic for ATM-related cancer predisposition. Review status: criteria provided, single submitter. Criteria: ACMG Guidelines, 2015. Collection method: clinical testing. Allele origin: germline. Inheritance: Autosomal dominant inheritance. Affected: no. Observed: 1 variant allele. Not counted in ClinVar's aggregate classification.

Natera, Inc.
Classification: Pathogenic for Ataxia-telangiectasia. Last evaluated: 2020-09-16. Review status: no assertion criteria provided. Collection method: clinical testing. Allele origin: germline. Not counted in ClinVar's aggregate classification.

Counsyl
Classification: Likely pathogenic for Ataxia-telangiectasia syndrome. Last evaluated: 2014-12-04. Review status: no assertion criteria provided. Collection method: literature only. Allele origin: unknown. Inheritance: Autosomal recessive inheritance. Not counted in ClinVar's aggregate classification.

Literature cited by the submitters: PubMed 23807571 (cited by Labcorp Genetics (formerly Invitae), Labcorp); PubMed 25614872 (cited by Labcorp Genetics (formerly Invitae), Labcorp and Sema4); PubMed 10330348 (cited by 7 submitters); PubMed 10425038 (cited by 8 submitters); PubMed 12552559 (cited by 6 submitters); PubMed 16832357 (cited by 6 submitters); PubMed 22649200 (cited by 7 submitters); PubMed 26681312 (cited by 6 submitters); PubMed 12072877 (cited by 6 submitters); PubMed 15928302 (cited by 5 submitters); PubMed 18634022 (cited by Ambry Genetics and Color Diagnostics, LLC DBA Color Health); PubMed 27153395 (cited by 4 submitters); PubMed 28779002 (cited by 4 submitters); PubMed 33471991 (cited by 3 submitters); PubMed 19781682 (cited by Color Diagnostics, LLC DBA Color Health); PubMed 28843361 (cited by Color Diagnostics, LLC DBA Color Health); PubMed 16014569 (cited by Athena Diagnostics and Quest Diagnostics Nichols Institute San Juan Capistrano); PubMed 26689913 (cited by 3 submitters); PubMed 26896183 (cited by Athena Diagnostics and Quest Diagnostics Nichols Institute San Juan Capistrano); PubMed 31050087 (cited by Sema4); PubMed 9887333 (cited by Counsyl).